The following is an entry in ClinVar:

NM_001008537.3(NEXMIF):c.1789A>G (p.Thr597Ala)

Gene: NEXMIF (neurite extension and migration factor; minus strand). Cytogenetic location: Xq13.3.
Variant type: single nucleotide variant.
Coding change: c.1789A>G on transcript NM_001008537.3 (MANE Select); coding-DNA position 1789, A replaced by G.
Protein change: p.Thr597Ala; replaces threonine 597 with alanine.
Molecular consequence: missense variant.
Genome position (GRCh38, 1-based): chrX:74,742,768, T>C on the plus strand (A>G on the coding strand, the complement: NEXMIF is on the minus strand). VCF-style: chrX-74742768-T-C. GRCh37 (hg19) VCF-style: chrX-73962603-T-C.
Other names: short protein forms T597A.
Identifiers: ClinVar variation 541127 (VCV000541127.1), dbSNP rs752183295, ClinGen allele CA331301777.

ClinVar aggregate classification (germline): Uncertain significance (1 of 4 stars; one submission).

Conditions:
X-linked intellectual disability, Cantagrel type (XLID98). Also called: INTELLECTUAL DEVELOPMENTAL DISORDER, X-LINKED 98. Identifiers: Orphanet 85277, MedGen C3806730, MONDO:0010483, OMIM 300912.

Allele frequency attached by ClinVar (database versions not stated): gnomAD exomes below 0.00001.
gnomAD v4.1: 4 of 1,211,259 alleles (0.00033%); highest among the groups gnomAD compares: Non-Finnish European, 0.00045%; no homozygotes.

Submission:

Labcorp Genetics (formerly Invitae), Labcorp
Classification: Uncertain significance for X-linked intellectual disability, Cantagrel type. Last evaluated: 2017-11-17. Review status: criteria provided, single submitter. Criteria: Invitae Variant Classification Sherloc (09022015). Collection method: clinical testing. Allele origin: germline.
Comment: This sequence change replaces threonine with alanine at codon 597 of the KIAA2022 protein (p.Thr597Ala). The threonine residue is weakly conserved and there is a small physicochemical difference between threonine and alanine. This variant is not present in population databases (ExAC no frequency). This variant has not been reported in the literature in individuals with KIAA2022-related disease. Algorithms developed to predict the effect of missense changes on protein structure and function (SIFT, PolyPhen-2, Align-GVGD) all suggest that this variant is likely to be tolerated, but these predictions have not been confirmed by published functional studies and their clinical significance is uncertain. In summary, the available evidence is currently insufficient to determine the role of this variant in disease. Therefore, it has been classified as a Variant of Uncertain Significance.